The following is an entry in ClinVar:

NM_000264.5(PTCH1):c.1559_1560del (p.His520fs)

Gene: PTCH1 (patched 1; minus strand). Cytogenetic location: 9q22.32.
Variant type: Deletion.
Coding change: c.1559_1560del on transcript NM_000264.5 (MANE Select); coding-DNA positions 1559 to 1560, 2 bases deleted (AC; older notation c.1559_1560delAC).
Protein change: p.His520fs; shifts the reading frame from histidine 520.
Molecular consequence: frameshift variant. On other transcripts: non-coding transcript variant (1).
Genome position (GRCh38, 1-based): chr9:95,476,801-95,476,802, GT deleted on the plus strand (AC on the coding strand, the reverse complement: PTCH1 is on the minus strand); deleting any 2 consecutive bases within chr9:95,476,801-95,476,803 gives the same sequence; the c. name uses the placement nearest the transcript's 3' end. VCF-style (leftmost placement, unchanged base first): chr9-95476800-CGT-C. GRCh37 (hg19) VCF-style: chr9-98239082-CGT-C.
Other names: c.1106_1107del, p.His369fs (NM_001083606.3, NM_001083607.3, NM_001083604.3 and 1 more transcripts); c.1403_1404del, p.His468fs (NM_001354918.2); c.1361_1362del, p.His454fs (NM_001083602.3); c.1556_1557del, p.His519fs (NM_001083603.3); short protein forms H369fs, H520fs, H454fs, H468fs, H519fs.
Identifiers: ClinVar variation 4714438 (VCV004714438.1).

ClinVar aggregate classification (germline): Pathogenic (1 of 4 stars; one submission).

Conditions:
Gorlin syndrome. Also called: Nevoid Basal Cell Carcinoma Syndrome; Basal cell nevus syndrome. Identifiers: Orphanet 377, MedGen C0004779, MONDO:0007187.

Submission:

Labcorp Genetics (formerly Invitae), Labcorp
Classification: Pathogenic for Gorlin syndrome. Last evaluated: 2025-03-05. Review status: criteria provided, single submitter. Criteria: Invitae Variant Classification Sherloc (09022015). Collection method: clinical testing. Allele origin: germline.
Comment: This sequence change creates a premature translational stop signal (p.His520Argfs*4) in the PTCH1 gene. It is expected to result in an absent or disrupted protein product. Loss-of-function variants in PTCH1 are known to be pathogenic (PMID: 16301862, 16419085). This variant is not present in population databases (gnomAD no frequency). This variant has not been reported in the literature in individuals affected with PTCH1-related conditions. For these reasons, this variant has been classified as Pathogenic.

Literature cited by the submitters: PubMed 16301862; PubMed 16419085.